The following is an entry in ClinVar:

NM_000170.3(GLDC):c.2335T>C (p.Phe779Leu)

Gene: GLDC (glycine decarboxylase; minus strand). Cytogenetic location: 9p24.1.
Variant type: single nucleotide variant.
Coding change: c.2335T>C on transcript NM_000170.3 (MANE Select); coding-DNA position 2335, T replaced by C.
Protein change: p.Phe779Leu; replaces phenylalanine 779 with leucine.
Molecular consequence: missense variant.
Genome position (GRCh38, 1-based): chr9:6,553,490, A>G on the plus strand (T>C on the coding strand, the complement: GLDC is on the minus strand). VCF-style: chr9-6553490-A-G. GRCh37 (hg19) VCF-style: chr9-6553490-A-G.
Other names: short protein forms F779L.
Identifiers: ClinVar variation 860121 (VCV000860121.7), dbSNP rs1817557171, ClinGen allele CA372878975.
Genomic context (GRCh38, chr9:6,553,490, plus strand): 5'-TTCCCACAGGACAGGCATCCTCATTCCGCTTTAGTGAAATGACGGGATGATTGGGCAAAA[A>G]CGGGGCGAGATGTTTCTTCCTGTATTTTTTTTAAGTGCAAATTCAGAAAATGTAAACGAT-3'
Protein context (NP_000161.2, residues 769-789): PIGVKKHLAP[Phe779Leu]LPNHPVISLK

ClinVar aggregate classification (germline): Uncertain significance (1 of 4 stars; one submission).

Conditions:
Glycine encephalopathy. Also called: Nonketotic hyperglycinemia; Non-ketotic hyperglycinemia. Identifiers: Orphanet 407, MedGen C0751748, MONDO:0011612, HP:0008288.

Allele frequency attached by ClinVar (database versions not stated): gnomAD exomes below 0.00001.
gnomAD v4.1: 1 of 1,613,204 alleles (0.000062%); highest among the groups gnomAD compares: African/African-American, 0.0013%; no homozygotes.

Submission:

Labcorp Genetics (formerly Invitae), Labcorp
Classification: Uncertain significance for Glycine encephalopathy. Last evaluated: 2021-09-01. Review status: criteria provided, single submitter. Criteria: Invitae Variant Classification Sherloc (09022015). Collection method: clinical testing. Allele origin: germline.
Comment: This sequence change replaces phenylalanine with leucine at codon 779 of the GLDC protein (p.Phe779Leu). The phenylalanine residue is moderately conserved and there is a small physicochemical difference between phenylalanine and leucine. This variant is not present in population databases (ExAC no frequency). This variant has not been reported in the literature in individuals affected with GLDC-related conditions. Algorithms developed to predict the effect of missense changes on protein structure and function (SIFT, PolyPhen-2, Align-GVGD) all suggest that this variant is likely to be tolerated. In summary, the available evidence is currently insufficient to determine the role of this variant in disease. Therefore, it has been classified as a Variant of Uncertain Significance.